The following is an entry in ClinVar:

NM_031407.7(HUWE1):c.4983A>G (p.Gln1661=)

Gene: HUWE1 (HECT, UBA and WWE domain containing E3 ubiquitin protein ligase 1; minus strand). Cytogenetic location: Xp11.22.
Variant type: single nucleotide variant.
Coding change: c.4983A>G on transcript NM_031407.7 (MANE Select); coding-DNA position 4983, A replaced by G.
Protein change: p.Gln1661=; no amino-acid change (glutamine 1661 retained).
Molecular consequence: synonymous variant.
Genome position (GRCh38, 1-based): chrX:53,585,030, T>C on the plus strand (A>G on the coding strand, the complement: HUWE1 is on the minus strand). VCF-style: chrX-53585030-T-C. GRCh37 (hg19) VCF-style: chrX-53611990-T-C.
Identifiers: ClinVar variation 740154 (VCV000740154.46), dbSNP rs376523271, ClinGen allele CA10422323.

ClinVar aggregate classification (germline): Benign/Likely benign. Review status: criteria provided, multiple submitters, no conflicts (2 of 4 stars). 3 submissions from 3 submitters: Benign (1); Likely benign (2). Last evaluated 2025-05-01.

Allele frequency attached by ClinVar (database versions not stated): gnomAD 0.00004; gnomAD exomes 0.00004 and 0.00003; ExAC 0.00007; ESP Exome Variant Server 0.00019; TOPMed 0.00002.
gnomAD v4.1: 49 of 1,210,341 alleles (0.004%); highest among the groups gnomAD compares: Non-Finnish European, 0.0044%; no homozygotes.

Submissions (3):

CeGaT Center for Human Genetics Tuebingen
Classification: Likely benign. Last evaluated: 2025-05-01. Review status: criteria provided, single submitter. Criteria: CeGaT Center For Human Genetics Tuebingen Variant Classification Criteria Version 2. Collection method: clinical testing. Allele origin: germline. Affected: yes. Observed: 2 variant alleles.
Comment: HUWE1: BP4, BP7, BS2

Labcorp Genetics (formerly Invitae), Labcorp
Classification: Benign. Last evaluated: 2023-02-10. Review status: criteria provided, single submitter. Criteria: Invitae Variant Classification Sherloc (09022015). Collection method: clinical testing. Allele origin: germline.

Blueprint Genetics
Classification: Likely benign. Last evaluated: 2022-04-29. Review status: criteria provided, single submitter. Criteria: ACMG Guidelines, 2015. Collection method: clinical testing. Allele origin: germline.